The following is an entry in ClinVar:

ClinVar aggregate classification (germline): Uncertain significance. Review status: criteria provided, multiple submitters, no conflicts (2 of 4 stars). 2 submissions from 2 submitters: Uncertain significance (2). Last evaluated 2024-05-08.

Conditions:
Polycystic kidney disease, adult type (PKD1). Also called: Polycystic Kidney, Autosomal Dominant; POLYCYSTIC KIDNEY DISEASE 1 WITH OR WITHOUT POLYCYSTIC LIVER DISEASE; Polycystic Kidney Disease 1, Autosomal Dominant; Polycystic kidney disease 1; Polycystic kidney disease 1, severe; POLYCYSTIC KIDNEY DISEASE, ADULT, TYPE I. Identifiers: MedGen C3149841, MONDO:0008263, OMIM 173900.

Allele frequency attached by ClinVar (database versions not stated): gnomAD 0.00004.
gnomAD v4.1: 18 of 1,611,486 alleles (0.0011%); highest among the groups gnomAD compares: African/African-American, 0.004%; no homozygotes.

Submissions (2):

Fulgent Genetics
Classification: Uncertain significance for Polycystic kidney disease, adult type. Last evaluated: 2024-05-08. Review status: criteria provided, single submitter. Criteria: ACMG Guidelines, 2015. Collection method: clinical testing. Allele origin: germline.

MVZ Medizinische Genetik Mainz
Classification: Uncertain significance for Polycystic kidney disease, adult type. Last evaluated: 2022-10-06. Review status: criteria provided, single submitter. Criteria: UK Practice Guidelines For Variant Classification V4 01 2020. Collection method: clinical testing. Allele origin: germline. Inheritance: Autosomal dominant inheritance. Affected: yes. Observed: 1 variant allele.
Comment: PP3, PP4 (ACMG Version 4)

NM_001009944.3(PKD1):c.4355C>T (p.Ser1452Phe)

Gene: PKD1 (polycystin 1, transient receptor potential channel interacting; minus strand). Cytogenetic location: 16p13.3.
Variant type: single nucleotide variant.
Coding change: c.4355C>T on transcript NM_001009944.3 (MANE Select); coding-DNA position 4355, C replaced by T.
Protein change: p.Ser1452Phe; replaces serine 1452 with phenylalanine.
Molecular consequence: missense variant.
Genome position (GRCh38, 1-based): chr16:2,110,812, G>A on the plus strand (C>T on the coding strand, the complement: PKD1 is on the minus strand). VCF-style: chr16-2110812-G-A. GRCh37 (hg19) VCF-style: chr16-2160813-G-A.
Other names: c.4355C>T, p.Ser1452Phe (NM_000296.4); short protein forms S1452F.
Identifiers: ClinVar variation 3061867 (VCV003061867.2), dbSNP rs767435117, ClinGen allele CA7832398.
Genomic context (GRCh38, chr16:2,110,812, plus strand): 5'-TTGATGCTGGTGACCAGCACGGGCTCCTGCACCTCCACCAGGGCTGAGTCATTGGCAGCA[G>A]AGATGTTGTTGGACGCGGTGACTGTCACAAGATAGGAGCCTGGGTCTCGGTAGATGAACG-3'
Protein context (NP_001009944.3, residues 1442-1462): LVTVTASNNI[Ser1452Phe]AANDSALVEV